The following is an entry in ClinVar:

Conditions:
Breast-ovarian cancer, familial, susceptibility to, 1 (BROVCA1). Also called: BRCA1 Hereditary Breast and Ovarian Cancer; OVARIAN CANCER, SUSCEPTIBILITY TO. Identifiers: Orphanet 145, MedGen C2676676, MONDO:0011450, OMIM 604370. Disease mechanism: loss of function.

Submission:

Brotman Baty Institute, University of Washington
No classification provided (evidence only). Condition: Breast-ovarian cancer, familial 1. Review status: no classification provided. Collection method: in vitro. Allele origin: not applicable. Functional consequence: functionally_normal.
ClinVar note: "not provided" was previously submitted as the classification for the variant. However, the classification appeared to be based only on an observation of functional data so it was converted to no classification on 2025-07-30.

NM_007294.4(BRCA1):c.80+3A>G

Gene: BRCA1 (BRCA1 DNA repair associated; minus strand). Cytogenetic location: 17q21.31.
Variant type: single nucleotide variant.
Coding change: c.80+3A>G on transcript NM_007294.4 (MANE Select); 3 bases into the intron after coding-DNA position 80, A replaced by G.
Molecular consequence: intron variant.
Genome position (GRCh38, 1-based): chr17:43,124,014, T>C on the plus strand (A>G on the coding strand, the complement: BRCA1 is on the minus strand). VCF-style: chr17-43124014-T-C. GRCh37 (hg19) VCF-style: chr17-41276031-T-C.
Other names: c.-61-8235A>G (NM_001408458.1); c.-219+1263A>G (NM_001407967.1); c.-170+1263A>G (NM_001407959.1); c.-8+1263A>G (NM_001407931.1, NM_001407747.1); c.-224+1263A>G (NM_001407962.1, NM_001408512.1, NM_001408510.1); c.-109+1263A>G (NM_001407885.1); c.-62+1263A>G (NM_001408470.1, NM_001407848.1, NM_001407839.1 and 6 more transcripts); c.-178+1263A>G (NM_001407746.1); and 23 more.
Identifiers: ClinVar variation 865070 (VCV000865070.3), dbSNP rs1567823106, ClinGen allele CA916081114.